The following is an entry in ClinVar:

NM_006922.4(SCN3A):c.4100T>C (p.Met1367Thr)

Gene: SCN3A (sodium voltage-gated channel alpha subunit 3; minus strand). Cytogenetic location: 2q24.3.
Variant type: single nucleotide variant.
Coding change: c.4100T>C on transcript NM_006922.4 (MANE Select); coding-DNA position 4100, T replaced by C.
Protein change: p.Met1367Thr; replaces methionine 1367 with threonine.
Molecular consequence: missense variant.
Genome position (GRCh38, 1-based): chr2:165,097,391, A>G on the plus strand (T>C on the coding strand, the complement: SCN3A is on the minus strand). VCF-style: chr2-165097391-A-G. GRCh37 (hg19) VCF-style: chr2-165953901-A-G.
Other names: c.3953T>C, p.Met1318Thr (NM_001081676.2, NM_001081677.2); short protein forms M1367T, M1318T.
Identifiers: ClinVar variation 1358043 (VCV001358043.6), dbSNP rs910493838, ClinGen allele CA59712771.
Genomic context (GRCh38, chr2:165,097,391, plus strand): 5'-AGAGCCTGACAGTCACTCAAATTGTTAACATCACTAATGTCAAACATGTTACCCGTTGTC[A>G]TGTTAACACAGTGGTAGAACTTGCCAGCAAACAAATTCACACCCATGATGCTAAAGATCA-3'
Protein context (NP_008853.3, residues 1357-1377): FAGKFYHCVN[Met1367Thr]TTGNMFDISD

ClinVar aggregate classification (germline): Uncertain significance (1 of 4 stars; one submission).

Allele frequency attached by ClinVar (database versions not stated): gnomAD exomes below 0.00001; gnomAD 0.00001; TOPMed 0.00001.

Submission:

Labcorp Genetics (formerly Invitae), Labcorp
Classification: Uncertain significance. Last evaluated: 2021-09-05. Review status: criteria provided, single submitter. Criteria: Invitae Variant Classification Sherloc (09022015). Collection method: clinical testing. Allele origin: germline.
Comment: In summary, the available evidence is currently insufficient to determine the role of this variant in disease. Therefore, it has been classified as a Variant of Uncertain Significance. Algorithms developed to predict the effect of missense changes on protein structure and function output the following: SIFT: "Tolerated"; PolyPhen-2: "Benign"; Align-GVGD: "Class C0". The threonine amino acid residue is found in multiple mammalian species, which suggests that this missense change does not adversely affect protein function. This variant has not been reported in the literature in individuals affected with SCN3A-related conditions. This variant is not present in population databases (ExAC no frequency). This sequence change replaces methionine with threonine at codon 1367 of the SCN3A protein (p.Met1367Thr). The methionine residue is weakly conserved and there is a moderate physicochemical difference between methionine and threonine.